The following is an entry in ClinVar:

ClinVar aggregate classification (germline): Conflicting classifications of pathogenicity. Review status: criteria provided, conflicting classifications (1 of 4 stars). 4 submissions from 4 submitters: Uncertain significance (1); Likely benign (3). Last evaluated 2026-06-10.

Conditions:
ANLN-related disorder. Also called: ANLN-related condition.

Allele frequency attached by ClinVar (database versions not stated): gnomAD exomes 0.00005; TOPMed 0.00008.
gnomAD v4.1: 51 of 1,612,270 alleles (0.0032%); highest among the groups gnomAD compares: East Asian, 0.029%; no homozygotes.

Submissions (4):

PreventionGenetics, part of Exact Sciences
Classification: Likely benign for ANLN-related condition. Last evaluated: 2026-06-10. Review status: criteria provided, single submitter. Criteria: ACMG Guidelines, 2015. Collection method: clinical testing. Allele origin: germline.
Comment: This variant is classified as likely benign based on ACMG/AMP sequence variant interpretation guidelines (Richards et al. 2015 PMID: 25741868, with internal and published modifications).

Labcorp Genetics (formerly Invitae), Labcorp
Classification: Uncertain significance. Last evaluated: 2025-06-12. Review status: criteria provided, single submitter. Criteria: Invitae Variant Classification Sherloc (09022015). Collection method: clinical testing. Allele origin: germline.
Comment: This sequence change replaces serine, which is neutral and polar, with leucine, which is neutral and non-polar, at codon 891 of the ANLN protein (p.Ser891Leu). This variant is present in population databases (rs776330843, gnomAD 0.04%), and has an allele count higher than expected for a pathogenic variant. This variant has not been reported in the literature in individuals affected with ANLN-related conditions. ClinVar contains an entry for this variant (Variation ID: 1511495). Invitae Evidence Modeling of protein sequence and biophysical properties (such as structural, functional, and spatial information, amino acid conservation, physicochemical variation, residue mobility, and thermodynamic stability) indicates that this missense variant is not expected to disrupt ANLN protein function with a negative predictive value of 80%. In summary, the available evidence is currently insufficient to determine the role of this variant in disease. Therefore, it has been classified as a Variant of Uncertain Significance.

Blueprint Genetics
Classification: Likely benign. Last evaluated: 2024-05-24. Review status: criteria provided, single submitter. Criteria: ACMG Guidelines, 2015. Collection method: clinical testing. Allele origin: germline.

Ambry Genetics
Classification: Likely benign. Last evaluated: 2023-11-03. Review status: criteria provided, single submitter. Criteria: Ambry Variant Classification Scheme 2023. Collection method: clinical testing. Allele origin: germline.

Literature cited by the submitters: PubMed 28106320 (cited by Ambry Genetics).

NM_018685.5(ANLN):c.2672C>T (p.Ser891Leu)

Gene: ANLN (anillin, actin binding protein; plus strand). Cytogenetic location: 7p14.2.
Variant type: single nucleotide variant.
Coding change: c.2672C>T on transcript NM_018685.5 (MANE Select); coding-DNA position 2672, C replaced by T.
Protein change: p.Ser891Leu; replaces serine 891 with leucine.
Molecular consequence: missense variant.
Genome position (GRCh38, 1-based): chr7:36,424,705, C>T. VCF-style: chr7-36424705-C-T. GRCh37 (hg19) VCF-style: chr7-36464314-C-T.
Other names: c.2672C>T (NM_018685.2, NM_018685.4); c.2561C>T, p.Ser854Leu (NM_001284301.3); c.2558C>T, p.Ser853Leu (NM_001284302.3); short protein forms S853L, S891L, S854L.
Identifiers: ClinVar variation 1511495 (VCV001511495.10), dbSNP rs776330843, ClinGen allele CA4219931.